The following is an entry in ClinVar:

ClinVar aggregate classification (germline): Likely pathogenic (1 of 4 stars; one submission).

Conditions:
NRAP-related disorder. Also called: NRAP-related condition.

gnomAD v4.1: 126 of 1,603,788 alleles (0.0079%); highest among the groups gnomAD compares: Non-Finnish European, 0.01%; no homozygotes.

Submission:

PreventionGenetics, part of Exact Sciences
Classification: Likely pathogenic for NRAP-related condition. Last evaluated: 2025-07-09. Review status: criteria provided, single submitter. Criteria: ACMG Guidelines, 2015. Collection method: clinical testing. Allele origin: germline.
Comment: The NRAP c.3300+1G>A variant is predicted to disrupt the GT donor site and interfere with normal splicing. To our knowledge, this variant has not been reported in the literature. This variant is reported in 0.012% of alleles in individuals of European (Non-Finnish) descent in gnomAD. Variants that disrupt the consensus splice donor site in NRAP are expected to be pathogenic. This variant is interpreted as likely pathogenic.

NM_198060.4(NRAP):c.3300+1G>A

Gene: NRAP (nebulin related anchoring protein; minus strand). Cytogenetic location: 10q25.3.
Variant type: single nucleotide variant.
Coding change: c.3300+1G>A on transcript NM_198060.4 (MANE Select); the canonical splice donor site of the intron after coding-DNA position 3300, G replaced by A.
Molecular consequence: splice donor variant.
Genome position (GRCh38, 1-based): chr10:113,614,182, C>T on the plus strand (G>A on the coding strand, the complement: NRAP is on the minus strand). VCF-style: chr10-113614182-C-T. GRCh37 (hg19) VCF-style: chr10-115373941-C-T.
Other names: c.3195+1G>A (NM_006175.5); c.3192+1G>A (NM_001322945.2); c.3300+1G>A (NM_001261463.2).
Identifiers: ClinVar variation 4978001 (VCV004978001.1).